The following is an entry in ClinVar:

ClinVar aggregate classification (germline): Conflicting classifications of pathogenicity. Review status: criteria provided, conflicting classifications (1 of 4 stars). 4 submissions from 4 submitters: Uncertain significance (3); Likely benign (1). Last evaluated 2024-04-02.

Allele frequency attached by ClinVar (database versions not stated): gnomAD exomes 0.00002 and 0.00004; ExAC 0.00001; TOPMed 0.00005; gnomAD 0.00003; ESP Exome Variant Server 0.00008.
gnomAD v4.1: 29 of 1,611,358 alleles (0.0018%); highest among the groups gnomAD compares: Admixed American, 0.025%; no homozygotes.

Submissions (4):

Revvity Omics, Revvity
Classification: Uncertain significance. Last evaluated: 2024-04-02. Review status: criteria provided, single submitter. Criteria: ACMG Guidelines, 2015. Collection method: clinical testing. Allele origin: germline.

Women's Health and Genetics/Laboratory Corporation of America, LabCorp
Classification: Uncertain significance. Last evaluated: 2021-05-10. Review status: criteria provided, single submitter. Criteria: LabCorp Variant Classification Summary - May 2015. Collection method: clinical testing. Allele origin: germline.
Comment: Variant summary: TTN c.31180G>A (p.Glu10394Lys) results in a conservative amino acid change located in the I-band of the encoded protein sequence. Three of four in-silico tools predict a benign effect of the variant on protein function. The variant allele was found at a frequency of 3.7e-05 in 245802 control chromosomes. The available data on variant occurrences in the general population are insufficient to allow any conclusion about variant significance. To our knowledge, no occurrence of c.31180G>A in individuals affected with Dilated Cardiomyopathy and no experimental evidence demonstrating its impact on protein function have been reported. One clinical diagnostic laboratory has submitted clinical-significance assessments for this variant to ClinVar after 2014 without evidence for independent evaluation and classified the variant as uncertain significance. Based on the evidence outlined above, the variant was classified as uncertain significance.

Eurofins Ntd Llc (ga)
Classification: Uncertain significance. Last evaluated: 2017-11-06. Review status: criteria provided, single submitter. Criteria: EGL Classification Definitions 2015. Collection method: clinical testing. Allele origin: germline. Observed: 1 variant allele, 1 heterozygote.

GeneDx
Classification: Likely benign. Last evaluated: 2012-11-09. Review status: criteria provided, single submitter. Criteria: GeneDx Variant Classification (06012015). Collection method: clinical testing. Allele origin: germline. Affected: yes.
Comment: This variant is considered likely benign or benign based on one or more of the following criteria: it is a conservative change, it occurs at a poorly conserved position in the protein, it is predicted to be benign by multiple in silico algorithms, and/or has population frequency not consistent with disease.

NM_001267550.2(TTN):c.35083G>A (p.Glu11695Lys)

Gene: TTN (titin; minus strand). Cytogenetic location: 2q31.2.
Variant type: single nucleotide variant.
Coding change: c.35083G>A on transcript NM_001267550.2 (MANE Select); coding-DNA position 35083, G replaced by A.
Protein change: p.Glu11695Lys; replaces glutamic acid 11695 with lysine.
Molecular consequence: missense variant. On other transcripts: intron variant (3).
Genome position (GRCh38, 1-based): chr2:178,672,115, C>T on the plus strand (G>A on the coding strand, the complement: TTN is on the minus strand). VCF-style: chr2-178672115-C-T. GRCh37 (hg19) VCF-style: chr2-179536842-C-T.
Other names: p.E11321K:GAG>AAG; c.13859-29798G>A (NM_133437.4); c.13658-29798G>A (NM_133432.3); c.33961G>A, p.Glu11321Lys (NM_001256850.1); c.31180G>A, p.Glu10394Lys (NM_133378.4); c.13283-29798G>A (NM_003319.4); short protein forms E11321K, E11695K, E10394K.
Identifiers: ClinVar variation 202301 (VCV000202301.11), dbSNP rs376117402, ClinGen allele CA309019.